The following is an entry in ClinVar:

NM_005797.4(MPZL2):c.520C>G (p.Leu174Val)

Gene: MPZL2 (myelin protein zero like 2; minus strand). Cytogenetic location: 11q23.3.
Variant type: single nucleotide variant.
Coding change: c.520C>G on transcript NM_005797.4 (MANE Select); coding-DNA position 520, C replaced by G.
Protein change: p.Leu174Val; replaces leucine 174 with valine.
Molecular consequence: missense variant.
Genome position (GRCh38, 1-based): chr11:118,260,118, G>C on the plus strand (C>G on the coding strand, the complement: MPZL2 is on the minus strand). VCF-style: chr11-118260118-G-C. GRCh37 (hg19) VCF-style: chr11-118130833-G-C.
Other names: c.520C>G, p.Leu174Val (NM_144765.3); short protein forms L174V.
Identifiers: ClinVar variation 4625199 (VCV004625199.2).

ClinVar aggregate classification (germline): Uncertain significance. Review status: criteria provided, multiple submitters, no conflicts (2 of 4 stars). 2 submissions from 2 submitters: Uncertain significance (2). Last evaluated 2026-01-03.

Conditions:
Inborn genetic diseases. Identifiers: MedGen C0950123, MeSH D030342.
MPZL2-related disorder. Also called: MPZL2-related condition.

gnomAD v4.1: 49 of 1,613,970 alleles (0.003%); highest among the groups gnomAD compares: Non-Finnish European, 0.0041%; no homozygotes.

Submissions (2):

PreventionGenetics, part of Exact Sciences
Classification: Uncertain significance for MPZL2-related condition. Last evaluated: 2026-01-03. Review status: criteria provided, single submitter. Criteria: ACMG Guidelines, 2015. Collection method: clinical testing. Allele origin: germline.
Comment: The MPZL2 c.520C>G variant is predicted to result in the amino acid substitution p.Leu174Val. To our knowledge, this variant has not been reported in the literature. This variant is reported in 0.0062% of alleles in individuals of European (Non-Finnish) descent in gnomAD. At this time, the clinical significance of this variant is uncertain due to the absence of conclusive functional and genetic evidence.

Ambry Genetics
Classification: Uncertain significance for Inborn genetic diseases. Last evaluated: 2025-09-26. Review status: criteria provided, single submitter. Criteria: Ambry Variant Classification Scheme 2023. Collection method: clinical testing. Allele origin: germline.